The following is an entry in ClinVar:

ClinVar aggregate classification (germline): Pathogenic (1 of 4 stars; one submission).

gnomAD v4.1: 1 of 1,609,504 alleles (0.000062%); no homozygotes.

Submission:

GeneDx
Classification: Pathogenic. Last evaluated: 2025-02-14. Review status: criteria provided, single submitter. Criteria: GeneDx Variant Classification Process June 2021. Collection method: clinical testing. Allele origin: germline. Affected: yes.
Comment: Nonsense variant predicted to result in protein truncation or nonsense mediated decay in a gene for which loss of function is a known mechanism of disease; Not observed at significant frequency in large population cohorts (gnomAD); Has not been previously published as pathogenic or benign to our knowledge

NM_015557.3(CHD5):c.4180C>T (p.Arg1394Ter)

Gene: CHD5 (chromodomain helicase DNA binding protein 5; minus strand). Cytogenetic location: 1p36.31.
Variant type: single nucleotide variant.
Coding change: c.4180C>T on transcript NM_015557.3 (MANE Select); coding-DNA position 4180, C replaced by T.
Protein change: p.Arg1394Ter; replaces arginine 1394 with a stop codon.
Molecular consequence: nonsense.
Genome position (GRCh38, 1-based): chr1:6,125,604, G>A on the plus strand (C>T on the coding strand, the complement: CHD5 is on the minus strand). VCF-style: chr1-6125604-G-A. GRCh37 (hg19) VCF-style: chr1-6185664-G-A.
Other names: short protein forms R1394*.
Identifiers: ClinVar variation 4075496 (VCV004075496.1).